The following is an entry in ClinVar:

NM_003482.4(KMT2D):c.12712C>T (p.Arg4238Cys)

Gene: KMT2D (lysine methyltransferase 2D; minus strand). Cytogenetic location: 12q13.12.
Variant type: single nucleotide variant.
Coding change: c.12712C>T on transcript NM_003482.4 (MANE Select); coding-DNA position 12712, C replaced by T.
Protein change: p.Arg4238Cys; replaces arginine 4238 with cysteine.
Molecular consequence: missense variant.
Genome position (GRCh38, 1-based): chr12:49,031,993, G>A on the plus strand (C>T on the coding strand, the complement: KMT2D is on the minus strand). VCF-style: chr12-49031993-G-A. GRCh37 (hg19) VCF-style: chr12-49425776-G-A.
Other names: short protein forms R4238C.
Identifiers: ClinVar variation 94160 (VCV000094160.19), dbSNP rs398123714, ClinGen allele CA222009.
Genomic context (GRCh38, chr12:49,031,993, plus strand): 5'-CCAGGAGGCCCTGGAGGGGAGAGGTCTGGGTCCCAGGCTCCTGGTAGGGTGGGGTCTGGC[G>A]TACTGCCTGACTCTGCTGCAGCTGCCGCTGCATGAGGAGTGCCTGTAGCTGCTGCTGCTG-3'
Protein context (NP_003473.3, residues 4228-4248): QRQLQQSQAV[Arg4238Cys]QTPPYQEPGT

ClinVar aggregate classification (germline): Conflicting classifications of pathogenicity. Review status: criteria provided, conflicting classifications (1 of 4 stars). 4 submissions from 4 submitters: Uncertain significance (1); Benign (1); Likely benign (1). 1 of the submissions does not count toward it. Last evaluated 2025-12-08.

Conditions:
KMT2D-related disorder. Also called: KMT2D-Related Disorders.
Kabuki syndrome. Also called: NIIKAWA-KUROKI SYNDROME; Kabuki make-up syndrome. Identifiers: Orphanet 2322, MedGen C0796004, MONDO:0016512.

Allele frequency attached by ClinVar (database versions not stated): TOPMed 0.00004; gnomAD 0.00008 and 0.00004; gnomAD exomes 0.00015 and 0.00007; ExAC 0.00014; 1000 Genomes Project 0.00040; 1000 Genomes Project 30x 0.00047.

Submissions (4):

Labcorp Genetics (formerly Invitae), Labcorp
Classification: Likely benign for Kabuki syndrome. Last evaluated: 2025-12-08. Review status: criteria provided, single submitter. Criteria: Invitae Variant Classification Sherloc (09022015). Collection method: clinical testing. Allele origin: germline.

GeneDx
Classification: Benign. Last evaluated: 2020-05-30. Review status: criteria provided, single submitter. Criteria: GeneDx Variant Classification Process June 2021. Collection method: clinical testing. Allele origin: germline. Affected: yes.

Eurofins Ntd Llc (ga)
Classification: Uncertain significance. Last evaluated: 2012-09-14. Review status: criteria provided, single submitter. Criteria: EGL Classification Definitions 2015. Collection method: clinical testing. Allele origin: germline. Observed: 1 variant allele, 1 heterozygote.

PreventionGenetics, part of Exact Sciences
Classification: Likely benign for KMT2D-related condition. Last evaluated: 2022-06-17. Review status: no assertion criteria provided. Collection method: clinical testing. Allele origin: germline. Not counted in ClinVar's aggregate classification.
Comment: This variant is classified as likely benign based on ACMG/AMP sequence variant interpretation guidelines (Richards et al. 2015 PMID: 25741868, with internal and published modifications).